The following is an entry in ClinVar:

NM_001918.5(DBT):c.753C>T (p.Asp251=)

Gene: DBT (dihydrolipoamide branched chain transacylase E2; minus strand). Cytogenetic location: 1p21.2.
Variant type: single nucleotide variant.
Coding change: c.753C>T on transcript NM_001918.5 (MANE Select); coding-DNA position 753, C replaced by T.
Protein change: p.Asp251=; no amino-acid change (aspartic acid 251 retained).
Molecular consequence: synonymous variant.
Genome position (GRCh38, 1-based): chr1:100,216,002, G>A on the plus strand (C>T on the coding strand, the complement: DBT is on the minus strand). VCF-style: chr1-100216002-G-A. GRCh37 (hg19) VCF-style: chr1-100681558-G-A.
Identifiers: ClinVar variation 94012 (VCV000094012.56), dbSNP rs79292123, ClinGen allele CA147535.
Genomic context (GRCh38, chr1:100,216,002, plus strand): 5'-AATGAACTATTGCCTTATAGTATTGTTATTATTATCATTACCTTTTATGGGTTCTGTTTT[G>A]TCTTTGCCTGTGAATACCGGAGGTTTTGATACTAGTATAGGAACAGTCATGTCTTTTGGC-3'
Protein context (NP_001909.4, residues 241-261): VSKPPVFTGK[Asp251=]KTEPIKGFQK

ClinVar aggregate classification (germline): Conflicting classifications of pathogenicity. Review status: criteria provided, conflicting classifications (1 of 4 stars). 8 submissions from 8 submitters: Uncertain significance (1); Benign (2); Likely benign (3). 2 of the submissions do not count toward it. Last evaluated 2026-07-01.

Conditions:
Maple syrup urine disease (MSUD). Identifiers: Orphanet 511, MedGen C0024776, MeSH D008375, MONDO:0009563. Disease mechanism: loss of function.

Allele frequency attached by ClinVar (database versions not stated): 1000 Genomes Project 30x 0.00094; 1000 Genomes Project 0.00120; ExAC 0.00133; gnomAD exomes 0.00143 and 0.00235; gnomAD 0.00179 and 0.00181; ESP Exome Variant Server 0.00192; TOPMed 0.00193.
gnomAD v4.1: 3,644 of 1,597,734 alleles (0.23%); highest among the groups gnomAD compares: Non-Finnish European, 0.28%; 14 homozygotes.

Submissions (8):

CeGaT Center for Human Genetics Tuebingen
Classification: Likely benign. Last evaluated: 2026-07-01. Review status: criteria provided, single submitter. Criteria: CeGaT Center For Human Genetics Tuebingen Variant Classification Criteria Version 2. Collection method: clinical testing. Allele origin: germline. Affected: yes. Observed: 4 variant alleles.
Comment: DBT: BP4, BS2

Labcorp Genetics (formerly Invitae), Labcorp
Classification: Likely benign for Maple syrup urine disease. Last evaluated: 2026-02-01. Review status: criteria provided, single submitter. Criteria: Invitae Variant Classification Sherloc (09022015). Collection method: clinical testing. Allele origin: germline.

Genome-Nilou Lab
Classification: Benign for Maple syrup urine disease type 1A. Last evaluated: 2021-11-07. Review status: criteria provided, single submitter. Criteria: ACMG Guidelines, 2015. Collection method: clinical testing. Allele origin: germline. Affected: no.

GeneDx
Classification: Likely benign. Last evaluated: 2018-05-29. Review status: criteria provided, single submitter. Criteria: GeneDx Variant Classification Process June 2021. Collection method: clinical testing. Allele origin: germline. Affected: yes.

Illumina Laboratory Services, Illumina
Classification: Uncertain significance for Maple syrup urine disease type 1A. Last evaluated: 2018-01-13. Review status: criteria provided, single submitter. Criteria: ICSL Variant Classification Criteria 13 December 2019. Collection method: clinical testing. Allele origin: germline.

Eurofins Ntd Llc (ga)
Classification: Benign. Last evaluated: 2013-09-18. Review status: criteria provided, single submitter. Criteria: EGL Classification Definitions 2015. Collection method: clinical testing. Allele origin: germline. Observed: 1 variant allele, 1 heterozygote.

Clinical Genetics DNA and cytogenetics Diagnostics Lab, Erasmus MC, Erasmus Medical Center
Classification: Likely benign. Review status: no assertion criteria provided. Collection method: clinical testing. Allele origin: germline. Affected: yes. Study: VKGL Data-share Consensus. Not counted in ClinVar's aggregate classification.

Clinical Genetics, Academic Medical Center
Classification: Benign. Review status: no assertion criteria provided. Collection method: clinical testing. Allele origin: germline. Affected: yes. Study: VKGL Data-share Consensus. Not counted in ClinVar's aggregate classification.